The following is an entry in ClinVar:

NM_005630.3(SLCO2A1):c.1688T>G (p.Leu563Arg)

Gene: SLCO2A1 (solute carrier organic anion transporter family member 2A1; minus strand). Cytogenetic location: 3q22.1.
Variant type: single nucleotide variant.
Coding change: c.1688T>G on transcript NM_005630.3 (MANE Select); coding-DNA position 1688, T replaced by G.
Protein change: p.Leu563Arg; replaces leucine 563 with arginine.
Molecular consequence: missense variant.
Genome position (GRCh38, 1-based): chr3:133,938,431, A>C on the plus strand (T>G on the coding strand, the complement: SLCO2A1 is on the minus strand). VCF-style: chr3-133938431-A-C. GRCh37 (hg19) VCF-style: chr3-133657275-A-C.
Other names: short protein forms L563R.
Identifiers: ClinVar variation 4799319 (VCV004799319.1).
Genomic context (GRCh38, chr3:133,938,431, plus strand): 5'-CTTCAGATGCCCCATCGCCTGGGGCCACTTCTTGGGAAGAGGGGTCTTAGACACTTACCC[A>C]GCAAGCGCATCAACAAGAACTGCACCCCGATGGCAAATGACTTTTCCTCCTGGTTCACCA-3'
Protein context (NP_005621.2, residues 553-573): IGVQFLLMRL[Leu563Arg]AWLPSPALYG

ClinVar aggregate classification (germline): Likely pathogenic (1 of 4 stars; one submission).

Submission:

Labcorp Genetics (formerly Invitae), Labcorp
Classification: Likely pathogenic. Last evaluated: 2025-09-09. Review status: criteria provided, single submitter. Criteria: Invitae Variant Classification Sherloc (09022015). Collection method: clinical testing. Allele origin: germline.
Comment: This sequence change replaces leucine, which is neutral and non-polar, with arginine, which is basic and polar, at codon 563 of the SLCO2A1 protein (p.Leu563Arg). This variant is not present in population databases (gnomAD no frequency). This variant has not been reported in the literature in individuals affected with SLCO2A1-related conditions. Invitae Evidence Modeling of protein sequence and biophysical properties (such as structural, functional, and spatial information, amino acid conservation, physicochemical variation, residue mobility, and thermodynamic stability) indicates that this missense variant is expected to disrupt SLCO2A1 protein function with a positive predictive value of 95%. This variant disrupts the p.Leu563 amino acid residue in SLCO2A1. Other variant(s) that disrupt this residue have been determined to be pathogenic (PMID: 33166338). This suggests that this residue is clinically significant, and that variants that disrupt this residue are likely to be disease-causing. In summary, the currently available evidence indicates that the variant is pathogenic, but additional data are needed to prove that conclusively. Therefore, this variant has been classified as Likely Pathogenic.

Literature cited by the submitters: PubMed 33166338.